The following is an entry in ClinVar:

ClinVar aggregate classification (germline): Uncertain significance (1 of 4 stars; one submission).

Allele frequency attached by ClinVar (database versions not stated): TOPMed below 0.00001; gnomAD exomes 0.00002.
gnomAD v4.1: 28 of 1,580,208 alleles (0.0018%); highest among the groups gnomAD compares: Non-Finnish European, 0.0024%; no homozygotes.

Submission:

Labcorp Genetics (formerly Invitae), Labcorp
Classification: Uncertain significance. Last evaluated: 2025-07-06. Review status: criteria provided, single submitter. Criteria: Invitae Variant Classification Sherloc (09022015). Collection method: clinical testing. Allele origin: germline.
Comment: This sequence change replaces asparagine, which is neutral and polar, with aspartic acid, which is acidic and polar, at codon 281 of the PEX3 protein (p.Asn281Asp). This variant is not present in population databases (gnomAD no frequency). This variant has not been reported in the literature in individuals affected with PEX3-related conditions. ClinVar contains an entry for this variant (Variation ID: 1949274). Invitae Evidence Modeling of protein sequence and biophysical properties (such as structural, functional, and spatial information, amino acid conservation, physicochemical variation, residue mobility, and thermodynamic stability) indicates that this missense variant is not expected to disrupt PEX3 protein function with a negative predictive value of 80%. In summary, the available evidence is currently insufficient to determine the role of this variant in disease. Therefore, it has been classified as a Variant of Uncertain Significance.

NM_003630.3(PEX3):c.841A>G (p.Asn281Asp)

Gene: PEX3 (peroxisomal biogenesis factor 3; plus strand). Cytogenetic location: 6q24.2.
Variant type: single nucleotide variant.
Coding change: c.841A>G on transcript NM_003630.3 (MANE Select); coding-DNA position 841, A replaced by G.
Protein change: p.Asn281Asp; replaces asparagine 281 with aspartic acid.
Molecular consequence: missense variant.
Genome position (GRCh38, 1-based): chr6:143,479,098, A>G. VCF-style: chr6-143479098-A-G. GRCh37 (hg19) VCF-style: chr6-143800235-A-G.
Other names: short protein forms N281D.
Identifiers: ClinVar variation 1949274 (VCV001949274.4), dbSNP rs1780192520, ClinGen allele CA365886042.